The following is an entry in ClinVar:

NM_004370.6(COL12A1):c.2893C>T (p.Leu965=)

Gene: COL12A1 (collagen type XII alpha 1 chain; minus strand). Cytogenetic location: 6q13.
Variant type: single nucleotide variant.
Coding change: c.2893C>T on transcript NM_004370.6 (MANE Select); coding-DNA position 2893, C replaced by T.
Protein change: p.Leu965=; no amino-acid change (leucine 965 retained).
Molecular consequence: synonymous variant. On other transcripts: intron variant (2).
Genome position (GRCh38, 1-based): chr6:75,165,597, G>A on the plus strand (C>T on the coding strand, the complement: COL12A1 is on the minus strand). VCF-style: chr6-75165597-G-A. GRCh37 (hg19) VCF-style: chr6-75875313-G-A.
Other names: c.2893C>T, p.Leu965= (NM_001424113.1, NM_001424114.1); c.2620C>T, p.Leu874= (NM_001424115.1); c.74-13115C>T (NM_001424116.1, NM_080645.3).
Identifiers: ClinVar variation 3041094 (VCV003041094.2), dbSNP rs771868336, ClinGen allele CA3893854.

ClinVar aggregate classification (germline): Likely benign (0 of 4 stars; one submission).

Conditions:
COL12A1-related disorder. Also called: COL12A1-related condition.

Allele frequency attached by ClinVar (database versions not stated): ExAC 0.00001; gnomAD exomes 0.00001.
gnomAD v4.1: 7 of 1,613,988 alleles (0.00043%); highest among the groups gnomAD compares: Non-Finnish European, 0.00059%; no homozygotes.

Submission:

PreventionGenetics, part of Exact Sciences
Classification: Likely benign for COL12A1-related condition. Last evaluated: 2019-09-23. Review status: no assertion criteria provided. Collection method: clinical testing. Allele origin: germline.
Comment: This variant is classified as likely benign based on ACMG/AMP sequence variant interpretation guidelines (Richards et al. 2015 PMID: 25741868, with internal and published modifications).